The following is an entry in ClinVar:

NM_000465.4(BARD1):c.565G>A (p.Ala189Thr)

Gene: BARD1 (BRCA1 associated RING domain 1; minus strand). Cytogenetic location: 2q35.
Variant type: single nucleotide variant.
Coding change: c.565G>A on transcript NM_000465.4 (MANE Select); coding-DNA position 565, G replaced by A.
Protein change: p.Ala189Thr; replaces alanine 189 with threonine.
Molecular consequence: missense variant. On other transcripts: non-coding transcript variant (2), intron variant (3).
Genome position (GRCh38, 1-based): chr2:214,781,309, C>T on the plus strand (G>A on the coding strand, the complement: BARD1 is on the minus strand). VCF-style: chr2-214781309-C-T. GRCh37 (hg19) VCF-style: chr2-215646033-C-T.
Other names: c.508G>A, p.Ala170Thr (NM_001282543.2); c.158+28103G>A (NM_001282548.2); c.215+15752G>A (NM_001282545.2); c.364+10988G>A (NM_001282549.2); short protein forms A189T, A170T.
Identifiers: ClinVar variation 185352 (VCV000185352.19), dbSNP rs786202110, ClinGen allele CA191704.

ClinVar aggregate classification (germline): Conflicting classifications of pathogenicity. Review status: criteria provided, conflicting classifications (1 of 4 stars). 4 submissions from 4 submitters: Uncertain significance (3); Likely benign (1). Last evaluated 2024-07-16.

Conditions:
Hereditary cancer-predisposing syndrome. Also called: Hereditary neoplastic syndrome; Neoplastic Syndromes, Hereditary; Tumor predisposition; Hereditary Cancer Syndrome. Identifiers: Orphanet 140162, MedGen C0027672, MeSH D009386, MONDO:0015356.
Familial cancer of breast. Also called: BREAST CANCER, FAMILIAL; Hereditary breast cancer; hereditary breast carcinoma. Identifiers: Orphanet 227535, MedGen C0346153, MONDO:0016419, OMIM 114480. Disease mechanism: loss of function.

Allele frequency attached by ClinVar (database versions not stated): gnomAD exomes below 0.00001; TOPMed below 0.00001.
gnomAD v4.1: 2 of 1,611,724 alleles (0.00012%); highest among the groups gnomAD compares: Non-Finnish European, 0.00017%; no homozygotes.

Submissions (4):

Labcorp Genetics (formerly Invitae), Labcorp
Classification: Uncertain significance for Familial cancer of breast. Last evaluated: 2024-07-16. Review status: criteria provided, single submitter. Criteria: Invitae Variant Classification Sherloc (09022015). Collection method: clinical testing. Allele origin: germline.
Comment: This sequence change replaces alanine, which is neutral and non-polar, with threonine, which is neutral and polar, at codon 189 of the BARD1 protein (p.Ala189Thr). This variant is present in population databases (rs786202110, gnomAD 0.0009%). This variant has not been reported in the literature in individuals affected with BARD1-related conditions. ClinVar contains an entry for this variant (Variation ID: 185352). An algorithm developed to predict the effect of missense changes on protein structure and function outputs the following: PolyPhen-2: "Benign". The threonine amino acid residue is found in multiple mammalian species, which suggests that this missense change does not adversely affect protein function. In summary, the available evidence is currently insufficient to determine the role of this variant in disease. Therefore, it has been classified as a Variant of Uncertain Significance.

Ambry Genetics
Classification: Likely benign for Hereditary cancer-predisposing syndrome. Last evaluated: 2024-02-26. Review status: criteria provided, single submitter. Criteria: Ambry Variant Classification Scheme 2023. Collection method: clinical testing. Allele origin: germline.

Color Diagnostics, LLC DBA Color Health
Classification: Uncertain significance for Hereditary cancer-predisposing syndrome. Last evaluated: 2023-12-04. Review status: criteria provided, single submitter. Criteria: ACMG Guidelines, 2015. Collection method: clinical testing. Allele origin: germline.
Comment: This missense variant replaces alanine with threonine at codon 189 of the BARD1 protein. Computational prediction suggests that this variant may not impact protein structure and function (internally defined REVEL score threshold <= 0.5, PMID: 27666373). To our knowledge, functional studies have not been reported for this variant. This variant has not been reported in individuals affected with BARD1-related disorders in the literature. This variant has been identified in 1/249004 chromosomes in the general population by the Genome Aggregation Database (gnomAD). The available evidence is insufficient to determine the role of this variant in disease conclusively. Therefore, this variant is classified as a Variant of Uncertain Significance.

Mendelics
Classification: Uncertain significance. Last evaluated: 2022-05-04. Review status: criteria provided, single submitter. Criteria: Mendelics Assertion Criteria 2019. Collection method: clinical testing. Allele origin: germline.